The following is an entry in ClinVar:

ClinVar aggregate classification (germline): Benign/Likely benign. Review status: criteria provided, multiple submitters, no conflicts (2 of 4 stars). 2 submissions from 2 submitters: Benign (1); Likely benign (1). Last evaluated 2024-03-01.

Allele frequency attached by ClinVar (database versions not stated): 1000 Genomes Project 0.00140; 1000 Genomes Project 30x 0.00141; TOPMed 0.00225; ESP Exome Variant Server 0.00308; ExAC 0.00374; gnomAD exomes 0.00424.
gnomAD v4.1: 5,518 of 1,610,566 alleles (0.34%); highest among the groups gnomAD compares: South Asian, 0.51%; 24 homozygotes.

Submissions (2):

CeGaT Center for Human Genetics Tuebingen
Classification: Likely benign. Last evaluated: 2024-03-01. Review status: criteria provided, single submitter. Criteria: CeGaT Center For Human Genetics Tuebingen Variant Classification Criteria Version 2. Collection method: clinical testing. Allele origin: germline. Affected: yes. Observed: 3 variant alleles.
Comment: ATP10A: BP4, BP7, BS2

Labcorp Genetics (formerly Invitae), Labcorp
Classification: Benign. Last evaluated: 2019-12-31. Review status: criteria provided, single submitter. Criteria: Invitae Variant Classification Sherloc (09022015). Collection method: clinical testing. Allele origin: germline.

NM_024490.4(ATP10A):c.1653G>A (p.Ala551=)

Gene: ATP10A (ATPase phospholipid transporting 10A (putative); minus strand). Cytogenetic location: 15q12.
Variant type: single nucleotide variant.
Coding change: c.1653G>A on transcript NM_024490.4 (MANE Select); coding-DNA position 1653, G replaced by A.
Protein change: p.Ala551=; no amino-acid change (alanine 551 retained).
Molecular consequence: synonymous variant.
Genome position (GRCh38, 1-based): chr15:25,716,853, C>T on the plus strand (G>A on the coding strand, the complement: ATP10A is on the minus strand). VCF-style: chr15-25716853-C-T. GRCh37 (hg19) VCF-style: chr15-25962000-C-T.
Identifiers: ClinVar variation 731739 (VCV000731739.28), dbSNP rs76685513, ClinGen allele CA7436725.